The following is an entry in ClinVar:

NM_138615.3(DHX30):c.3262G>A (p.Val1088Ile)

Gene: DHX30 (DExH-box helicase 30; plus strand). Cytogenetic location: 3p21.31.
Variant type: single nucleotide variant.
Coding change: c.3262G>A on transcript NM_138615.3 (MANE Select); coding-DNA position 3262, G replaced by A.
Protein change: p.Val1088Ile; replaces valine 1088 with isoleucine.
Molecular consequence: missense variant.
Genome position (GRCh38, 1-based): chr3:47,849,700, G>A. VCF-style: chr3-47849700-G-A. GRCh37 (hg19) VCF-style: chr3-47891190-G-A.
Other names: c.3178G>A, p.Val1060Ile (NM_001330990.2); c.3145G>A, p.Val1049Ile (NM_014966.4); short protein forms V1049I, V1060I, V1088I.
Identifiers: ClinVar variation 1800998 (VCV001800998.1), dbSNP rs368476953, ClinGen allele CA73900252.

ClinVar aggregate classification (germline): Uncertain significance (1 of 4 stars; one submission).

Allele frequency attached by ClinVar (database versions not stated): gnomAD exomes below 0.00001; TOPMed below 0.00001; ESP Exome Variant Server 0.00008.
gnomAD v4.1: 2 of 1,614,136 alleles (0.00012%); highest among the groups gnomAD compares: Non-Finnish European, 0.00017%; no homozygotes.

Submission:

GeneDx
Classification: Uncertain significance. Last evaluated: 2022-05-16. Review status: criteria provided, single submitter. Criteria: GeneDx Variant Classification Process June 2021. Collection method: clinical testing. Allele origin: germline. Affected: yes.
Comment: In silico analysis supports that this missense variant does not alter protein structure/function; Has not been previously published as pathogenic or benign to our knowledge